The following is an entry in ClinVar:

ClinVar aggregate classification (germline): Likely pathogenic. Review status: criteria provided, multiple submitters, no conflicts (2 of 4 stars). 2 submissions from 2 submitters: Likely pathogenic (2). Last evaluated 2023-05-15.

Conditions:
Autosomal recessive limb-girdle muscular dystrophy type 2L (LGMDR12). Also called: Limb-girdle muscular dystrophy, type 2L; Limb-Girdle Muscular Dystrophy R12 Anoctamin-5-Related (LGMD-R12); MUSCULAR DYSTROPHY, LIMB-GIRDLE, AUTOSOMAL RECESSIVE 12. Identifiers: Orphanet 206549, MedGen C1969785, MONDO:0012652, OMIM 611307.
Gnathodiaphyseal dysplasia (GDD). Also called: OSTEOGENESIS IMPERFECTA WITH UNUSUAL SKELETAL LESIONS; GNATHODIAPHYSEAL SCLEROSIS. Identifiers: Orphanet 53697, MedGen C1833736, MONDO:0008151, OMIM 166260.

Allele frequency attached by ClinVar (database versions not stated): gnomAD exomes below 0.00001.
gnomAD v4.1: 1 of 1,603,404 alleles (0.000062%); highest among the groups gnomAD compares: Non-Finnish European, 0.000085%; no homozygotes.

Submissions (2):

Labcorp Genetics (formerly Invitae), Labcorp
Classification: Likely pathogenic for Autosomal recessive limb-girdle muscular dystrophy type 2L; Gnathodiaphyseal dysplasia. Last evaluated: 2023-05-15. Review status: criteria provided, single submitter. Criteria: Invitae Variant Classification Sherloc (09022015). Collection method: clinical testing. Allele origin: germline.
Comment: This sequence change affects a donor splice site in intron 15 of the ANO5 gene. It is expected to disrupt RNA splicing. Variants that disrupt the donor or acceptor splice site typically lead to a loss of protein function (PMID: 16199547), and loss-of-function variants in ANO5 are known to be pathogenic (PMID: 21186264, 23606453, 25891276, 30919934). This variant is not present in population databases (gnomAD no frequency). This variant has not been reported in the literature in individuals affected with ANO5-related conditions. ClinVar contains an entry for this variant (Variation ID: 813973). Algorithms developed to predict the effect of sequence changes on RNA splicing suggest that this variant may disrupt the consensus splice site. In summary, the currently available evidence indicates that the variant is pathogenic, but additional data are needed to prove that conclusively. Therefore, this variant has been classified as Likely Pathogenic.

Broad Center for Mendelian Genomics, Broad Institute of MIT and Harvard
Classification: Likely pathogenic for Autosomal recessive limb-girdle muscular dystrophy type 2L. Last evaluated: 2018-12-03. Review status: criteria provided, single submitter. Criteria: ACMG Guidelines, 2015. Collection method: research. Allele origin: germline. Inheritance: Autosomal recessive inheritance. Affected: yes.
Comment: This variant was absent from large population studies. The c.1630+2T>G variant occurs in the invariant region (+/- 1/2) of the splice consensus sequence and is predicted to cause altered splicing leading to an abnormal or absent protein. However, this information is not predictive enough to determine pathogenicity. Loss of function of the ANO5 gene is an established disease mechanism in autosomal recessive LGMD. In summary, although additional studies are required to fully establish its clinical significance, the c.1630+2T>G variant is likely pathogenic. ACMG/AMP Criteria applied: PM2, PVS1 (Richards 2015).

Literature cited by the submitters: PubMed 16199547 (cited by Labcorp Genetics (formerly Invitae), Labcorp); PubMed 21186264 (cited by Labcorp Genetics (formerly Invitae), Labcorp); PubMed 23606453 (cited by Labcorp Genetics (formerly Invitae), Labcorp); PubMed 25891276 (cited by Labcorp Genetics (formerly Invitae), Labcorp); PubMed 30919934 (cited by Labcorp Genetics (formerly Invitae), Labcorp).

NM_213599.3(ANO5):c.1630+2T>G

Gene: ANO5 (anoctamin 5; plus strand). Cytogenetic location: 11p14.3.
Variant type: single nucleotide variant.
Coding change: c.1630+2T>G on transcript NM_213599.3 (MANE Select); the canonical splice donor site of the intron after coding-DNA position 1630, T replaced by G.
Molecular consequence: splice donor variant.
Genome position (GRCh38, 1-based): chr11:22,259,743, T>G. VCF-style: chr11-22259743-T-G. GRCh37 (hg19) VCF-style: chr11-22281289-T-G.
Other names: c.1588+2T>G (NM_001410963.1); c.1627+2T>G (NM_001142649.2); c.1585+2T>G (NM_001410964.1).
Identifiers: ClinVar variation 813973 (VCV000813973.7), dbSNP rs1590300702, ClinGen allele CA379922460.